The following is an entry in ClinVar:

ClinVar aggregate classification (germline): Likely benign (1 of 4 stars; one submission).

Allele frequency attached by ClinVar (database versions not stated): ESP Exome Variant Server 0.00239; gnomAD 0.00287; TOPMed 0.00323; 1000 Genomes Project 0.00359; 1000 Genomes Project 30x 0.00406.
gnomAD v4.1: 833 of 1,612,758 alleles (0.052%); highest among the groups gnomAD compares: African/African-American, 0.99%; 3 homozygotes.

Submission:

CeGaT Center for Human Genetics Tuebingen
Classification: Likely benign. Last evaluated: 2022-10-01. Review status: criteria provided, single submitter. Criteria: CeGaT Center For Human Genetics Tuebingen Variant Classification Criteria Version 2. Collection method: clinical testing. Allele origin: germline. Affected: yes. Observed: 1 variant allele.
Comment: NUGGC: BP4, BP7

NM_001010906.2(NUGGC):c.1407G>A (p.Leu469=)

Gene: NUGGC (nuclear GTPase, germinal center associated; minus strand). Cytogenetic location: 8p21.1.
Variant type: single nucleotide variant.
Coding change: c.1407G>A on transcript NM_001010906.2 (MANE Select); coding-DNA position 1407, G replaced by A.
Protein change: p.Leu469=; no amino-acid change (leucine 469 retained).
Molecular consequence: synonymous variant.
Genome position (GRCh38, 1-based): chr8:28,045,566, C>T on the plus strand (G>A on the coding strand, the complement: NUGGC is on the minus strand). VCF-style: chr8-28045566-C-T. GRCh37 (hg19) VCF-style: chr8-27903083-C-T.
Identifiers: ClinVar variation 2658506 (VCV002658506.24), dbSNP rs202084810, ClinGen allele CA4693580.